The following is an entry in ClinVar:

ClinVar aggregate classification (germline): Uncertain significance (1 of 4 stars; one submission).

Conditions:
Facioscapulohumeral muscular dystrophy 2 (FSHD2). Also called: MUSCULAR DYSTROPHY, FACIOSCAPULOHUMERAL, TYPE 1B; FACIOSCAPULOHUMERAL MUSCULAR DYSTROPHY 2, DIGENIC; FSHD2, DIGENIC. Identifiers: Orphanet 269, MedGen C1834671, MONDO:0008031, OMIM 158901.

Submission:

Labcorp Genetics (formerly Invitae), Labcorp
Classification: Uncertain significance for Facioscapulohumeral muscular dystrophy 2. Last evaluated: 2023-07-03. Review status: criteria provided, single submitter. Criteria: Invitae Variant Classification Sherloc (09022015). Collection method: clinical testing. Allele origin: germline.
Comment: This sequence change replaces serine, which is neutral and polar, with glycine, which is neutral and non-polar, at codon 1189 of the SMCHD1 protein (p.Ser1189Gly). In summary, the available evidence is currently insufficient to determine the role of this variant in disease. Therefore, it has been classified as a Variant of Uncertain Significance. Advanced modeling of protein sequence and biophysical properties (such as structural, functional, and spatial information, amino acid conservation, physicochemical variation, residue mobility, and thermodynamic stability) performed at Invitae indicates that this missense variant is not expected to disrupt SMCHD1 protein function. This variant has not been reported in the literature in individuals affected with SMCHD1-related conditions. This variant is not present in population databases (gnomAD no frequency).

NM_015295.3(SMCHD1):c.3565A>G (p.Ser1189Gly)

Gene: SMCHD1 (structural maintenance of chromosomes flexible hinge domain containing 1; plus strand). Cytogenetic location: 18p11.32.
Variant type: single nucleotide variant.
Coding change: c.3565A>G on transcript NM_015295.3 (MANE Select); coding-DNA position 3565, A replaced by G.
Protein change: p.Ser1189Gly; replaces serine 1189 with glycine.
Molecular consequence: missense variant.
Genome position (GRCh38, 1-based): chr18:2,740,753, A>G. VCF-style: chr18-2740753-A-G. GRCh37 (hg19) VCF-style: chr18-2740751-A-G.
Other names: short protein forms S1189G.
Identifiers: ClinVar variation 2800167 (VCV002800167.3), dbSNP rs2510105283, ClinGen allele CA401688577.